The following is an entry in ClinVar:

NM_001142459.2(ASB10):c.1165_1166del (p.Val389fs)

Gene: ASB10 (ankyrin repeat and SOCS box containing 10; minus strand). Cytogenetic location: 7q36.1.
Variant type: Microsatellite.
Coding change: c.1165_1166del on transcript NM_001142459.2 (MANE Select); coding-DNA positions 1165 to 1166, 2 bases deleted (GT; older notation c.1165_1166delGT).
Protein change: p.Val389fs; shifts the reading frame from valine 389.
Molecular consequence: frameshift variant. On other transcripts: intron variant (1).
Genome position (GRCh38, 1-based): chr7:151,176,615-151,176,616, AC deleted on the plus strand (GT on the coding strand, the reverse complement: ASB10 is on the minus strand); deleting any 2 consecutive bases within chr7:151,176,615-151,176,618 gives the same sequence; the c. name uses the placement nearest the transcript's 3' end. VCF-style (leftmost placement, unchanged base first): chr7-151176614-AAC-A. GRCh37 (hg19) VCF-style: chr7-150873701-AAC-A.
Other names: c.1120_1121del, p.Val374fs (NM_080871.4); c.1105-319_1105-318del (NM_001142460.1); short protein forms V389fs, V374fs.
Identifiers: ClinVar variation 3020811 (VCV003020811.3), dbSNP rs763697610, ClinGen allele CA4573661.
Genomic context (GRCh38, chr7:151,176,614, plus strand): 5'-GAATCTGACCTGCAGAGTTTCAGGAGTCACCAGGCCGACGGCCTCCTCGGGAAGCTGCAC[AAC>A]ACTGTAGGTGTTCATCAGGACCTCGATGGTCCGAGGGCACGTGCTCCAGCGCTCCAGCAC-3'

ClinVar aggregate classification (germline): Uncertain significance (1 of 4 stars; one submission).

Submission:

Labcorp Genetics (formerly Invitae), Labcorp
Classification: Uncertain significance. Last evaluated: 2023-11-15. Review status: criteria provided, single submitter. Criteria: Invitae Variant Classification Sherloc (09022015). Collection method: clinical testing. Allele origin: germline.
Comment: This sequence change creates a premature translational stop signal (p.Val389Cysfs*14) in the ASB10 gene. It is expected to result in an absent or disrupted protein product. However, the current clinical and genetic evidence is not sufficient to establish whether loss-of-function variants in ASB10 cause disease. This variant is present in population databases (rs763697610, gnomAD 0.01%). This variant has not been reported in the literature in individuals affected with ASB10-related conditions. In summary, the available evidence is currently insufficient to determine the role of this variant in disease. Therefore, it has been classified as a Variant of Uncertain Significance.